The following is an entry in ClinVar:

ClinVar aggregate classification (germline): Likely benign. Review status: criteria provided, multiple submitters, no conflicts (2 of 4 stars). 2 submissions from 2 submitters: Likely benign (2). Last evaluated 2024-11-22.

Conditions:
COL6A3-related disorder. Also called: COL6A3-related condition; COL6A3-related disorders.
Bethlem myopathy 1A. Also called: Bethlem myopathy 1; Bethlem Muscular Dystrophy; MYOPATHY, BENIGN CONGENITAL, WITH CONTRACTURES. Identifiers: Orphanet 610, MedGen CN029274, MONDO:0024530, OMIM 158810.

Allele frequency attached by ClinVar (database versions not stated): gnomAD 0.00001; gnomAD exomes 0.00001 and 0.00002; TOPMed 0.00001; ExAC 0.00002.
gnomAD v4.1: 22 of 1,614,110 alleles (0.0014%); highest among the groups gnomAD compares: African/African-American, 0.004%; no homozygotes.

Submissions (2):

PreventionGenetics, part of Exact Sciences
Classification: Likely benign for COL6A3-related condition. Last evaluated: 2024-11-22. Review status: criteria provided, single submitter. Criteria: ACMG Guidelines, 2015. Collection method: clinical testing. Allele origin: germline.
Comment: This variant is classified as likely benign based on ACMG/AMP sequence variant interpretation guidelines (Richards et al. 2015 PMID: 25741868, with internal and published modifications).

Labcorp Genetics (formerly Invitae), Labcorp
Classification: Likely benign for Bethlem myopathy 1A. Last evaluated: 2022-11-09. Review status: criteria provided, single submitter. Criteria: Invitae Variant Classification Sherloc (09022015). Collection method: clinical testing. Allele origin: germline.

NM_004369.4(COL6A3):c.1563G>A (p.Ser521=)

Gene: COL6A3 (collagen type VI alpha 3 chain; minus strand). Cytogenetic location: 2q37.3.
Variant type: single nucleotide variant.
Coding change: c.1563G>A on transcript NM_004369.4 (MANE Select); coding-DNA position 1563, G replaced by A.
Protein change: p.Ser521=; no amino-acid change (serine 521 retained).
Molecular consequence: synonymous variant.
Genome position (GRCh38, 1-based): chr2:237,381,249, C>T on the plus strand (G>A on the coding strand, the complement: COL6A3 is on the minus strand). VCF-style: chr2-237381249-C-T. GRCh37 (hg19) VCF-style: chr2-238289892-C-T.
Other names: c.342G>A, p.Ser114= (NM_057164.5, NM_057166.5); c.945G>A, p.Ser315= (NM_057165.5, NM_057167.4); c.1563G>A (NM_004369.3).
Identifiers: ClinVar variation 1133729 (VCV001133729.10), dbSNP rs773149146, ClinGen allele CA2189595.